The following is an entry in ClinVar:

ClinVar aggregate classification (germline): Likely benign. Review status: criteria provided, multiple submitters, no conflicts (2 of 4 stars). 6 submissions from 6 submitters: Likely benign (6). Last evaluated 2025-03-07.

Conditions:
Catecholaminergic polymorphic ventricular tachycardia (CVPT). Also called: Catecholamine-induced polymorphic ventricular tachycardia. Identifiers: Orphanet 3286, MedGen C5574922, MONDO:0017990.
Cardiomyopathy (CMYO). Also called: Cardiomyopathies. Identifiers: Orphanet 167848, MedGen C0878544, MONDO:0004994, HP:0001638. Inheritance: Various modes of inheritance.
Catecholaminergic polymorphic ventricular tachycardia 1. Also called: RYR2-Related Catecholaminergic Polymorphic Ventricular Tachycardia; VENTRICULAR TACHYCARDIA, STRESS-INDUCED POLYMORPHIC 1; VENTRICULAR TACHYCARDIA, CATECHOLAMINERGIC POLYMORPHIC, 1, WITH OR WITHOUT ATRIAL DYSFUNCTION AND/OR DILATED CARDIOMYOPATHY. Identifiers: Orphanet 3286, MedGen C1631597, MONDO:0011484, OMIM 604772.
Cardiovascular phenotype. Identifiers: MedGen CN230736.

Allele frequency attached by ClinVar (database versions not stated): gnomAD 0.00001; gnomAD exomes 0.00001 and 0.00002; TOPMed 0.00001; ExAC 0.00002; ESP Exome Variant Server 0.00008.
gnomAD v4.1: 38 of 1,612,656 alleles (0.0024%); highest among the groups gnomAD compares: Non-Finnish European, 0.0028%; no homozygotes.

Submissions (6):

Labcorp Genetics (formerly Invitae), Labcorp
Classification: Likely benign for Catecholaminergic polymorphic ventricular tachycardia 1. Last evaluated: 2025-03-07. Review status: criteria provided, single submitter. Criteria: Invitae Variant Classification Sherloc (09022015). Collection method: clinical testing. Allele origin: germline.

Blueprint Genetics
Classification: Likely benign. Last evaluated: 2024-01-19. Review status: criteria provided, single submitter. Criteria: ACMG Guidelines, 2015. Collection method: clinical testing. Allele origin: germline.

All of Us Research Program, National Institutes of Health
Classification: Likely benign for Catecholaminergic polymorphic ventricular tachycardia. Last evaluated: 2023-12-13. Review status: criteria provided, single submitter. Criteria: ACMG Guidelines, 2015. Collection method: clinical testing. Allele origin: germline. Inheritance: Autosomal dominant inheritance. Observed: 4 variant alleles, 4 heterozygotes.
Comment: This study involves interpretation of variants in research participants for the purpose of population health screening. Participant phenotype was not available at the time of variant classification. Additional details can be found in publication PMID: 35346344, PMCID: PMC8962531

Ambry Genetics
Classification: Likely benign for Cardiovascular phenotype. Last evaluated: 2023-11-02. Review status: criteria provided, single submitter. Criteria: Ambry Variant Classification Scheme 2023. Collection method: clinical testing. Allele origin: germline.

GeneDx
Classification: Likely benign. Last evaluated: 2020-08-25. Review status: criteria provided, single submitter. Criteria: GeneDx Variant Classification Process June 2021. Collection method: clinical testing. Allele origin: germline. Affected: yes.

Color Diagnostics, LLC DBA Color Health
Classification: Likely benign for Cardiomyopathy. Last evaluated: 2018-12-16. Review status: criteria provided, single submitter. Criteria: ACMG Guidelines, 2015. Collection method: clinical testing. Allele origin: germline.

NM_001035.3(RYR2):c.9603G>A (p.Val3201=)

Gene: RYR2 (ryanodine receptor 2; plus strand). Cytogenetic location: 1q43.
Variant type: single nucleotide variant.
Coding change: c.9603G>A on transcript NM_001035.3 (MANE Select); coding-DNA position 9603, G replaced by A.
Protein change: p.Val3201=; no amino-acid change (valine 3201 retained).
Molecular consequence: synonymous variant.
Genome position (GRCh38, 1-based): chr1:237,706,971, G>A. VCF-style: chr1-237706971-G-A. GRCh37 (hg19) VCF-style: chr1-237870271-G-A.
Other names: c.9603G>A, p.Val3201= (LRG_402t1).
Identifiers: ClinVar variation 386018 (VCV000386018.18), dbSNP rs369285719, ClinGen allele CA087935.
Genomic context (GRCh38, chr1:237,706,971, plus strand): 5'-TCTTTGAATATCATCCATTTTTATATGTACTTCTCCAGCTCTCAGTTTGCCAACTAATGT[G>A]GAAGATGTTTGTCCAAACATACCGTCTTTGGAGAAACTCATGGAAGAAATCGTGGAATTA-3'
Protein context (NP_001026.2, residues 3191-3211): ERAALSLPTN[Val3201=]EDVCPNIPSL